The following is an entry in ClinVar:

ClinVar aggregate classification (germline): Uncertain significance (1 of 4 stars; one submission).

Submission:

Women's Health and Genetics/Laboratory Corporation of America, LabCorp
Classification: Uncertain significance. Last evaluated: 2023-09-22. Review status: criteria provided, single submitter. Criteria: LabCorp Variant Classification Summary - May 2015. Collection method: clinical testing. Allele origin: germline.
Comment: Variant summary: AUTS2 c.2584_2585delinsTT (p.Pro862Leu) results in a non-conservative amino acid change in the encoded protein sequence. Three of five in-silico tools predict a damaging effect of the variant on protein function. The variant was absent in 251014 control chromosomes. The available data on variant occurrences in the general population are insufficient to allow any conclusion about variant significance. To our knowledge, no occurrence of c.2584_2585delinsTT in individuals affected with Autism Spectrum Disorder Due To AUTS2 Deficiency and no experimental evidence demonstrating its impact on protein function have been reported. No submitters have cited clinical-significance assessments for this variant to ClinVar after 2014. Based on the evidence outlined above, the variant was classified as uncertain significance.

NM_015570.4(AUTS2):c.2584_2585delinsTT (p.Pro862Leu)

Gene: AUTS2 (activator of transcription and developmental regulator AUTS2; plus strand). Cytogenetic location: 7q11.22.
Variant type: Indel.
Coding change: c.2584_2585delinsTT on transcript NM_015570.4 (MANE Select); coding-DNA positions 2584 to 2585, CC replaced by TT.
Protein change: p.Pro862Leu; replaces proline 862 with leucine.
Molecular consequence: missense variant.
Genome position (GRCh38, 1-based): chr7:70,789,800-70,789,801, CC replaced by TT. VCF-style: chr7-70789800-CC-TT. GRCh37 (hg19) VCF-style: chr7-70254786-CC-TT.
Other names: c.2512_2513delinsTT, p.Pro838Leu (NM_001127231.3); short protein forms P838L, P862L.
Identifiers: ClinVar variation 2627305 (VCV002627305.1), dbSNP rs2484974267, ClinGen allele CA2582341727.